The following is an entry in ClinVar:

ClinVar aggregate classification (germline): not provided (0 of 4 stars; one submission).

Allele frequency attached by ClinVar (database versions not stated): gnomAD exomes below 0.00001 and 0.00001; gnomAD 0.00001; TOPMed 0.00001.
gnomAD v4.1: 2 of 1,607,280 alleles (0.00012%); highest among the groups gnomAD compares: Admixed American, 0.0017%; no homozygotes.

Submission:

ITMI
No classification provided. Condition: AllHighlyPenetrant. Last evaluated: 2013-09-19. Review status: no classification provided. Collection method: reference population. Allele origin: germline.
Comment: Please see associated publication for description of ethnicities

Literature cited by the submitters: PubMed 24728327.

NM_004448.4(ERBB2):c.133A>G (p.Met45Val)

Gene: ERBB2 (erb-b2 receptor tyrosine kinase 2; plus strand). Cytogenetic location: 17q12.
Variant type: single nucleotide variant.
Coding change: c.133A>G on transcript NM_004448.4 (MANE Select); coding-DNA position 133, A replaced by G.
Protein change: p.Met45Val; replaces methionine 45 with valine.
Molecular consequence: missense variant. On other transcripts: non-coding transcript variant (1), intron variant (1).
Genome position (GRCh38, 1-based): chr17:39,707,049, A>G. VCF-style: chr17-39707049-A-G. GRCh37 (hg19) VCF-style: chr17-37863302-A-G.
Other names: c.43A>G, p.Met15Val (NM_001005862.3, NM_001289938.2, NM_001382782.1 and 1 more transcripts); c.88A>G, p.Met30Val (NM_001289936.2); c.133A>G, p.Met45Val (NM_001289937.2, NM_001382784.1, NM_001382785.1 and 20 more transcripts); c.74-4879A>G (NM_001382804.1); short protein forms M15V, M45V, M30V.
Identifiers: ClinVar variation 134074 (VCV000134074.1), dbSNP rs587778266, ClinGen allele CA158601.